The following is an entry in ClinVar:

ClinVar aggregate classification (germline): Uncertain significance (1 of 4 stars; one submission).

Conditions:
Autosomal dominant intellectual disability-craniofacial anomalies-cardiac defects syndrome (ARTHS). Also called: Arboleda-Tham syndrome; Mental retardation, autosomal dominant 32; KAT6A syndrome. Identifiers: Orphanet 457193, MedGen C4225396, MONDO:0014558, OMIM 616268.

Submission:

Dasa
Classification: Uncertain significance for Autosomal dominant intellectual disability-craniofacial anomalies-cardiac defects syndrome. Last evaluated: 2025-08-24. Review status: criteria provided, single submitter. Criteria: DASA Assertion Criteria. Collection method: clinical testing. Allele origin: germline.
Comment: NM_006766.5(KAT6A):c.4424A>C (p.His1475Pro) is a missense variant that results in the substitution of histidine with proline. This variant is absent from population databases. Computational prediction algorithms are consistent with a benign effect. The currently available literature and clinical evidence are not sufficient to establish a definitive association between this variant and the reported condition. Therefore, this variant is classified as a variant of uncertain significance.

NM_006766.5(KAT6A):c.4424A>C (p.His1475Pro)

Gene: KAT6A (lysine acetyltransferase 6A; minus strand). Cytogenetic location: 8p11.21.
Variant type: single nucleotide variant.
Coding change: c.4424A>C on transcript NM_006766.5 (MANE Select); coding-DNA position 4424, A replaced by C.
Protein change: p.His1475Pro; replaces histidine 1475 with proline.
Molecular consequence: missense variant.
Genome position (GRCh38, 1-based): chr8:41,933,796, T>G on the plus strand (A>C on the coding strand, the complement: KAT6A is on the minus strand). VCF-style: chr8-41933796-T-G. GRCh37 (hg19) VCF-style: chr8-41791314-T-G.
Other names: short protein forms H1475P.
Identifiers: ClinVar variation 4881445 (VCV004881445.2).